The following is an entry in ClinVar:

NM_016247.4(IMPG2):c.2251A>G (p.Thr751Ala)

Gene: IMPG2 (interphotoreceptor matrix proteoglycan 2; minus strand). Cytogenetic location: 3q12.3.
Variant type: single nucleotide variant.
Coding change: c.2251A>G on transcript NM_016247.4 (MANE Select); coding-DNA position 2251, A replaced by G.
Protein change: p.Thr751Ala; replaces threonine 751 with alanine.
Molecular consequence: missense variant.
Genome position (GRCh38, 1-based): chr3:101,244,080, T>C on the plus strand (A>G on the coding strand, the complement: IMPG2 is on the minus strand). VCF-style: chr3-101244080-T-C. GRCh37 (hg19) VCF-style: chr3-100962924-T-C.
Other names: short protein forms T751A.
Identifiers: ClinVar variation 1484251 (VCV001484251.5), dbSNP rs371240065, ClinGen allele CA79722963.

ClinVar aggregate classification (germline): Uncertain significance. Review status: criteria provided, multiple submitters, no conflicts (2 of 4 stars). 2 submissions from 2 submitters: Uncertain significance (2). Last evaluated 2023-02-01.

Allele frequency attached by ClinVar (database versions not stated): gnomAD exomes below 0.00001 and 0.00004; gnomAD 0.00001; TOPMed 0.00001; ESP Exome Variant Server 0.00008.
gnomAD v4.1: 53 of 1,613,920 alleles (0.0033%); highest among the groups gnomAD compares: Non-Finnish European, 0.0043%; no homozygotes.

Submissions (2):

Blueprint Genetics
Classification: Uncertain significance. Last evaluated: 2023-02-01. Review status: criteria provided, single submitter. Criteria: ACMG Guidelines, 2015. Collection method: clinical testing. Allele origin: germline.

Labcorp Genetics (formerly Invitae), Labcorp
Classification: Uncertain significance. Last evaluated: 2022-10-03. Review status: criteria provided, single submitter. Criteria: Invitae Variant Classification Sherloc (09022015). Collection method: clinical testing. Allele origin: germline.
Comment: This variant is present in population databases (rs371240065, gnomAD 0.0009%). This sequence change replaces threonine, which is neutral and polar, with alanine, which is neutral and non-polar, at codon 751 of the IMPG2 protein (p.Thr751Ala). This variant has not been reported in the literature in individuals affected with IMPG2-related conditions. In summary, the available evidence is currently insufficient to determine the role of this variant in disease. Therefore, it has been classified as a Variant of Uncertain Significance. Advanced modeling of protein sequence and biophysical properties (such as structural, functional, and spatial information, amino acid conservation, physicochemical variation, residue mobility, and thermodynamic stability) performed at Invitae indicates that this missense variant is not expected to disrupt IMPG2 protein function. ClinVar contains an entry for this variant (Variation ID: 1484251).